The following is an entry in ClinVar:

ClinVar aggregate classification (germline): Conflicting classifications of pathogenicity. Review status: criteria provided, conflicting classifications (1 of 4 stars). 2 submissions from 2 submitters: Likely pathogenic (1); Uncertain significance (1). Last evaluated 2024-03-25.

Conditions:
Cardiospondylocarpofacial syndrome (CSCF). Identifiers: Orphanet 3238, MedGen C2931461, MONDO:0008005, OMIM 157800.

Submissions (2):

Genomic Medicine Center of Excellence, King Faisal Specialist Hospital and Research Centre
Classification: Uncertain significance for Cardiospondylocarpofacial syndrome. Last evaluated: 2024-03-25. Review status: criteria provided, single submitter. Criteria: ACMG Guidelines, 2015. Collection method: clinical testing. Allele origin: germline.

Victorian Clinical Genetics Services, Murdoch Childrens Research Institute
Classification: Likely pathogenic for Cardiospondylocarpofacial syndrome. Last evaluated: 2022-09-02. Review status: criteria provided, single submitter. Criteria: ACMG Guidelines, 2015. Collection method: clinical testing. Allele origin: germline. Inheritance: Autosomal dominant inheritance. Affected: yes.
Comment: Based on the classification scheme VCGS_Germline_v1.3.4, this variant is classified as Likely Pathogenic. Following criteria are met: 0103 - Loss of function and gain of function are known mechanisms of disease in this gene. Missense and inframe deletion variants shown to result in loss of function have been associated with cardiospondylocarpofacial (CSCF; MIM#157800) (PMID: 27426734), whereas missense variants causing gain of function have been associated with frontometaphyseal dysplasia 2 (FMD; MIM#617137) (PMID: 27426733). (I) 0107 - This gene is associated with autosomal dominant disease. (I) 0200 - Variant is predicted to result in a missense amino acid change from aspartic acid to asparagine. (I) 0251 - This variant is heterozygous. (I) 0301 - Variant is absent from gnomAD (both v2 and v3). (SP) 0502 - Missense variant with conflicting in silico predictions and uninformative conservation. (I) 0602 - Variant is located in a hotspot region or cluster of pathogenic variants within the catalytic domain of the serine/threonine kinase (NCBI). (SP) 0705 - No comparable missense variants have previous evidence for pathogenicity. (I) 0807 - This variant has no previous evidence of pathogenicity. (I) 0905 - No published segregation evidence has been identified for this variant. (I) 1007 - No published functional evidence has been identified for this variant. (SP) Legend: (SP) - Supporting pathogenic, (I) - Information, (SB) - Supporting benign

Literature cited by the submitters: PubMed 27426733 (cited by Victorian Clinical Genetics Services, Murdoch Childrens Research Institute); PubMed 27426734 (cited by Victorian Clinical Genetics Services, Murdoch Childrens Research Institute).

NM_145331.3(MAP3K7):c.631G>A (p.Asp211Asn)

Gene: MAP3K7 (mitogen-activated protein kinase kinase kinase 7; minus strand). Cytogenetic location: 6q15.
Variant type: single nucleotide variant.
Coding change: c.631G>A on transcript NM_145331.3 (MANE Select); coding-DNA position 631, G replaced by A.
Protein change: p.Asp211Asn; replaces aspartic acid 211 with asparagine.
Molecular consequence: missense variant.
Genome position (GRCh38, 1-based): chr6:90,553,563, C>T on the plus strand (G>A on the coding strand, the complement: MAP3K7 is on the minus strand). VCF-style: chr6-90553563-C-T. GRCh37 (hg19) VCF-style: chr6-91263282-C-T.
Other names: c.631G>A, p.Asp211Asn (NM_003188.4, NM_145332.3, NM_145333.3); short protein forms D211N.
Identifiers: ClinVar variation 1806063 (VCV001806063.2), dbSNP rs2481822388, ClinGen allele CA365012593.